The following is an entry in ClinVar:

NM_001171613.2(PREPL):c.280A>G (p.Thr94Ala)

Gene: PREPL (prolyl endopeptidase like; minus strand). Cytogenetic location: 2p21.
Variant type: single nucleotide variant.
Coding change: c.280A>G on transcript NM_001171613.2 (MANE Select); coding-DNA position 280, A replaced by G.
Protein change: p.Thr94Ala; replaces threonine 94 with alanine.
Molecular consequence: missense variant.
Genome position (GRCh38, 1-based): chr2:44,343,814, T>C on the plus strand (A>G on the coding strand, the complement: PREPL is on the minus strand). VCF-style: chr2-44343814-T-C. GRCh37 (hg19) VCF-style: chr2-44570953-T-C.
Other names: c.547A>G, p.Thr183Ala (NM_001042385.2, NM_001042386.2, NM_001171603.1 and 4 more transcripts); c.280A>G, p.Thr94Ala (NM_001171617.1, NM_001374277.1); short protein forms T94A, T183A.
Identifiers: ClinVar variation 2008409 (VCV002008409.4), dbSNP rs1675485746, ClinGen allele CA346693376.

ClinVar aggregate classification (germline): Uncertain significance (1 of 4 stars; one submission).

Conditions:
Myasthenic syndrome, congenital, 22 (CMS22). Also called: PREPL DEFICIENCY. Identifiers: MedGen C4479088, MONDO:0044299, OMIM 616224.

Submission:

Labcorp Genetics (formerly Invitae), Labcorp
Classification: Uncertain significance for Myasthenic syndrome, congenital, 22. Last evaluated: 2022-06-19. Review status: criteria provided, single submitter. Criteria: Invitae Variant Classification Sherloc (09022015). Collection method: clinical testing. Allele origin: germline.
Comment: This variant is not present in population databases (gnomAD no frequency). This sequence change replaces threonine, which is neutral and polar, with alanine, which is neutral and non-polar, at codon 183 of the PREPL protein (p.Thr183Ala). This variant has not been reported in the literature in individuals affected with PREPL-related conditions. In summary, the available evidence is currently insufficient to determine the role of this variant in disease. Therefore, it has been classified as a Variant of Uncertain Significance. Algorithms developed to predict the effect of missense changes on protein structure and function output the following: SIFT: "Deleterious"; PolyPhen-2: "Benign"; Align-GVGD: "Class C0". The alanine amino acid residue is found in multiple mammalian species, which suggests that this missense change does not adversely affect protein function.